The following is an entry in ClinVar:

NM_001385012.1(NBEA):c.1766C>G (p.Pro589Arg)

Gene: NBEA (neurobeachin; plus strand). Cytogenetic location: 13q13.3.
Variant type: single nucleotide variant.
Coding change: c.1766C>G on transcript NM_001385012.1 (MANE Select); coding-DNA position 1766, C replaced by G.
Protein change: p.Pro589Arg; replaces proline 589 with arginine.
Molecular consequence: missense variant.
Genome position (GRCh38, 1-based): chr13:35,109,375, C>G. VCF-style: chr13-35109375-C-G. GRCh37 (hg19) VCF-style: chr13-35683512-C-G.
Other names: c.1766C>G, p.Pro589Arg (NM_001379245.1, NM_015678.5); short protein forms P589R.
Identifiers: ClinVar variation 3361492 (VCV003361492.1).
Genomic context (GRCh38, chr13:35,109,375, plus strand): 5'-CTGTCCTGGAGCAATTTTTATCTTTTGCAAAATACCTTGATGGTTTATCTCATGGAGCAC[C>G]TTTGCTGAAGCAGCTTTGTGATCACATTTTATTTAACCCAGCCATCTGGATACATACACC-3'
Protein context (NP_001371941.1, residues 579-599): KYLDGLSHGA[Pro589Arg]LLKQLCDHIL

ClinVar aggregate classification (germline): Uncertain significance (1 of 4 stars; one submission).

gnomAD v4.1: 1 of 1,612,382 alleles (0.000062%); highest among the groups gnomAD compares: Admixed American, 0.0017%; no homozygotes.

Submission:

GeneDx
Classification: Uncertain significance. Last evaluated: 2023-07-24. Review status: criteria provided, single submitter. Criteria: GeneDx Variant Classification Process June 2021. Collection method: clinical testing. Allele origin: germline. Affected: yes.
Comment: Not observed at significant frequency in large population cohorts (gnomAD); In silico analysis supports that this missense variant has a deleterious effect on protein structure/function; Has not been previously published as pathogenic or benign to our knowledge